The following is an entry in ClinVar:

NM_006361.6(HOXB13):c.614A>G (p.Gln205Arg)

Gene: HOXB13 (homeobox B13; minus strand). Cytogenetic location: 17q21.32.
Variant type: single nucleotide variant.
Coding change: c.614A>G on transcript NM_006361.6 (MANE Select); coding-DNA position 614, A replaced by G.
Protein change: p.Gln205Arg; replaces glutamine 205 with arginine.
Molecular consequence: missense variant.
Genome position (GRCh38, 1-based): chr17:48,727,031, T>C on the plus strand (A>G on the coding strand, the complement: HOXB13 is on the minus strand). VCF-style: chr17-48727031-T-C. GRCh37 (hg19) VCF-style: chr17-46804393-T-C.
Other names: short protein forms Q205R.
Identifiers: ClinVar variation 826206 (VCV000826206.13), dbSNP rs761530565, ClinGen allele CA291349255.

ClinVar aggregate classification (germline): Uncertain significance. Review status: criteria provided, multiple submitters, no conflicts (2 of 4 stars). 2 submissions from 2 submitters: Uncertain significance (2). Last evaluated 2025-08-24.

Conditions:
Hereditary cancer-predisposing syndrome. Also called: Neoplastic Syndromes, Hereditary; Tumor predisposition; Hereditary neoplastic syndrome; Hereditary Cancer Syndrome. Identifiers: Orphanet 140162, MedGen C0027672, MeSH D009386, MONDO:0015356.

Allele frequency attached by ClinVar (database versions not stated): gnomAD exomes below 0.00001; TOPMed 0.00002; gnomAD 0.00003.
gnomAD v4.1: 7 of 1,607,456 alleles (0.00044%); highest among the groups gnomAD compares: Non-Finnish European, 0.00042%; no homozygotes.

Submissions (2):

Labcorp Genetics (formerly Invitae), Labcorp
Classification: Uncertain significance. Last evaluated: 2025-08-24. Review status: criteria provided, single submitter. Criteria: Invitae Variant Classification Sherloc (09022015). Collection method: clinical testing. Allele origin: germline.
Comment: This sequence change replaces glutamine, which is neutral and polar, with arginine, which is basic and polar, at codon 205 of the HOXB13 protein (p.Gln205Arg). This variant is present in population databases (rs761530565, gnomAD 0.005%). This variant has not been reported in the literature in individuals affected with HOXB13-related conditions. ClinVar contains an entry for this variant (Variation ID: 826206). Invitae Evidence Modeling of protein sequence and biophysical properties (such as structural, functional, and spatial information, amino acid conservation, physicochemical variation, residue mobility, and thermodynamic stability) indicates that this missense variant is not expected to disrupt HOXB13 protein function with a negative predictive value of 80%. In summary, the available evidence is currently insufficient to determine the role of this variant in disease. Therefore, it has been classified as a Variant of Uncertain Significance.

Ambry Genetics
Classification: Uncertain significance for Hereditary cancer-predisposing syndrome. Last evaluated: 2025-08-04. Review status: criteria provided, single submitter. Criteria: Ambry Variant Classification Scheme 2023. Collection method: clinical testing. Allele origin: germline.
Comment: The p.Q205R variant (also known as c.614A>G), located in coding exon 2 of the HOXB13 gene, results from an A to G substitution at nucleotide position 614. The glutamine at codon 205 is replaced by arginine, an amino acid with highly similar properties. This amino acid position is well conserved in available vertebrate species. In addition, the in silico prediction for this alteration is inconclusive. Since supporting evidence is limited at this time, the clinical significance of this alteration remains unclear.